The following is an entry in ClinVar:

ClinVar aggregate classification (germline): Uncertain significance (1 of 4 stars; one submission).

Submission:

Labcorp Genetics (formerly Invitae), Labcorp
Classification: Uncertain significance. Last evaluated: 2025-04-16. Review status: criteria provided, single submitter. Criteria: Invitae Variant Classification Sherloc (09022015). Collection method: clinical testing. Allele origin: germline.
Comment: This sequence change falls in intron 23 of the CACNA1F gene. It does not directly change the encoded amino acid sequence of the CACNA1F protein. This variant is not present in population databases (gnomAD no frequency). This variant has not been reported in the literature in individuals affected with CACNA1F-related conditions. ClinVar contains an entry for this variant (Variation ID: 1515516). Algorithms developed to predict the effect of sequence changes on RNA splicing suggest that this variant may disrupt the consensus splice site. In summary, the available evidence is currently insufficient to determine the role of this variant in disease. Therefore, it has been classified as a Variant of Uncertain Significance.

NM_001256789.3(CACNA1F):c.2841-10C>G

Gene: CACNA1F (calcium voltage-gated channel subunit alpha1 F; minus strand). Cytogenetic location: Xp11.23.
Variant type: single nucleotide variant.
Coding change: c.2841-10C>G on transcript NM_001256789.3 (MANE Select); 10 bases into the intron before coding-DNA position 2841, C replaced by G.
Molecular consequence: intron variant.
Genome position (GRCh38, 1-based): chrX:49,218,552, G>C on the plus strand (C>G on the coding strand, the complement: CACNA1F is on the minus strand). VCF-style: chrX-49218552-G-C. GRCh37 (hg19) VCF-style: chrX-49075011-G-C.
Other names: c.2874-10C>G (NM_005183.4); c.2679-10C>G (NM_001256790.3).
Identifiers: ClinVar variation 1515516 (VCV001515516.8), dbSNP rs2147908353, ClinGen allele CA2573158898.